The following is an entry in ClinVar:

NM_014855.3(AP5Z1):c.607C>T (p.Pro203Ser)

Gene: AP5Z1 (adaptor related protein complex 5 subunit zeta 1; plus strand). Cytogenetic location: 7p22.1.
Variant type: single nucleotide variant.
Coding change: c.607C>T on transcript NM_014855.3 (MANE Select); coding-DNA position 607, C replaced by T.
Protein change: p.Pro203Ser; replaces proline 203 with serine.
Molecular consequence: missense variant. On other transcripts: non-coding transcript variant (1).
Genome position (GRCh38, 1-based): chr7:4,783,784, C>T. VCF-style: chr7-4783784-C-T. GRCh37 (hg19) VCF-style: chr7-4823415-C-T.
Other names: c.139C>T, p.Pro47Ser (NM_001364858.1); short protein forms P203S, P47S.
Identifiers: ClinVar variation 2581919 (VCV002581919.1), dbSNP rs577396839, ClinGen allele CA153020456.

ClinVar aggregate classification (germline): Uncertain significance (1 of 4 stars; one submission).

Allele frequency attached by ClinVar (database versions not stated): gnomAD 0.00001; 1000 Genomes Project 0.00020; 1000 Genomes Project 30x 0.00031.
gnomAD v4.1: 1 of 1,549,206 alleles (0.000065%); highest among the groups gnomAD compares: Admixed American, 0.002%; no homozygotes.

Submission:

GeneDx
Classification: Uncertain significance. Last evaluated: 2023-03-27. Review status: criteria provided, single submitter. Criteria: GeneDx Variant Classification Process June 2021. Collection method: clinical testing. Allele origin: germline. Affected: yes.
Comment: Not observed at significant frequency in large population cohorts (gnomAD); In silico analysis supports that this missense variant has a deleterious effect on protein structure/function; Has not been previously published as pathogenic or benign to our knowledge